The following is an entry in ClinVar:

NC_000009.11:g.(?_130581890)_(130592750_?)del

Gene: ENG (endoglin; minus strand). Cytogenetic location: 9q34.11.
Variant type: Deletion.
Identifiers: ClinVar variation 3245083 (VCV003245083.1).

ClinVar aggregate classification (germline): Pathogenic (1 of 4 stars; one submission).

Conditions:
Hereditary hemorrhagic telangiectasia (HHT). Also called: ORW DISEASE; Osler Weber Rendu syndrome; OSLER-RENDU-WEBER DISEASE; Osler hemorrhagic telangiectasia syndrome. Identifiers: Orphanet 774, MedGen C0039445, MONDO:0019180. Disease mechanism: loss of function.

Submission:

Labcorp Genetics (formerly Invitae), Labcorp
Classification: Pathogenic for Hereditary hemorrhagic telangiectasia. Last evaluated: 2022-12-12. Review status: criteria provided, single submitter. Criteria: Invitae Variant Classification Sherloc (09022015). Collection method: clinical testing. Allele origin: unknown.
Comment: This variant disrupts a region of the ENG protein in which other variant(s) (p.Arg437Trp) have been determined to be pathogenic (PMID: 16752392, 20414677, 21158752, 23535011; Invitae). This suggests that this is a clinically significant region of the protein, and that variants that disrupt it are likely to be disease-causing. A similar copy number variant has been observed in individual(s) with hereditary hemorrhagic telangiectasia (PMID: 32573726). This variant is a gross deletion of the genomic region encompassing exon(s) 3-10 of the ENG gene. This variant would be expected to be in-frame, preserving the integrity of the reading frame. For these reasons, this variant has been classified as Pathogenic.

Literature cited by the submitters: PubMed 16752392; PubMed 20414677; PubMed 21158752; PubMed 23535011; PubMed 32573726.